The following is an entry in ClinVar:

NM_058004.4(PI4KA):c.4053-15G>C

Gene: PI4KA (phosphatidylinositol 4-kinase alpha; minus strand). Cytogenetic location: 22q11.21.
Variant type: single nucleotide variant.
Coding change: c.4053-15G>C on transcript NM_058004.4 (MANE Select); 15 bases into the intron before coding-DNA position 4053, G replaced by C.
Molecular consequence: intron variant.
Genome position (GRCh38, 1-based): chr22:20,733,858, C>G on the plus strand (G>C on the coding strand, the complement: PI4KA is on the minus strand). VCF-style: chr22-20733858-C-G. GRCh37 (hg19) VCF-style: chr22-21088146-C-G.
Other names: c.3987-15G>C (NM_001362863.2); c.3960-15G>C (NM_001362862.2).
Identifiers: ClinVar variation 1221760 (VCV001221760.9), dbSNP rs3852979, ClinGen allele CA10115189.

ClinVar aggregate classification (germline): Benign. Review status: criteria provided, multiple submitters, no conflicts (2 of 4 stars). 5 submissions from 5 submitters: Benign (5). Last evaluated 2024-11-28.

Conditions:
Polymicrogyria, perisylvian, with cerebellar hypoplasia and arthrogryposis (NEDSPLB). Identifiers: MedGen C4225295, MONDO:0014679, OMIM 616531.

Allele frequency attached by ClinVar (database versions not stated): gnomAD exomes 0.44494; ExAC 0.45523; gnomAD 0.47959 and 0.48174; ESP Exome Variant Server 0.48616; TOPMed 0.50533; 1000 Genomes Project 0.51597; 1000 Genomes Project 30x 0.52171.
gnomAD v4.1: 722,965 of 1,611,740 alleles (45%); highest among the groups gnomAD compares: African/African-American, 57%; 164,798 homozygotes.

Submissions (5):

Blueprint Genetics
Classification: Benign. Last evaluated: 2024-11-28. Review status: criteria provided, single submitter. Criteria: ACMG Guidelines, 2015. Collection method: clinical testing. Allele origin: germline.

Unidad de Genómica Garrahan, Hospital de Pediatría Garrahan
Classification: Benign. Last evaluated: 2024-01-24. Review status: criteria provided, single submitter. Criteria: ACMG Guidelines, 2015. Collection method: clinical testing. Allele origin: germline. Affected: no. Observed: 70 variant alleles.
Comment: This variant is classified as Benign based on local population frequency. This variant was detected in 74% of patients studied by a panel of primary immunodeficiencies. Number of patients: 70. Only high quality variants are reported.

Genome-Nilou Lab
Classification: Benign for Polymicrogyria, perisylvian, with cerebellar hypoplasia and arthrogryposis. Last evaluated: 2021-09-05. Review status: criteria provided, single submitter. Criteria: ACMG Guidelines, 2015. Collection method: clinical testing. Allele origin: germline. Affected: no.

GeneDx
Classification: Benign. Last evaluated: 2018-07-09. Review status: criteria provided, single submitter. Criteria: GeneDx Variant Classification Process June 2021. Collection method: clinical testing. Allele origin: germline. Affected: yes.

Breakthrough Genomics
Classification: Benign. Review status: criteria provided, single submitter. Criteria: ACMG Guidelines, 2015. Collection method: not provided. Allele origin: germline. Inheritance: Autosomal recessive inheritance. Affected: yes.